The following is an entry in ClinVar:

ClinVar aggregate classification (germline): Uncertain significance (1 of 4 stars; one submission).

Conditions:
Autoimmune lymphoproliferative syndrome type 1. Also called: AUTOIMMUNE LYMPHOPROLIFERATIVE SYNDROME, TYPE I, AUTOSOMAL DOMINANT. Identifiers: Orphanet 3261, MedGen C2717884, MONDO:0011158, OMIM 601859.

Allele frequency attached by ClinVar (database versions not stated): gnomAD exomes below 0.00001; TOPMed 0.00002; gnomAD 0.00001.
gnomAD v4.1: 3 of 1,613,884 alleles (0.00019%); highest among the groups gnomAD compares: Admixed American, 0.0017%; no homozygotes.

Submission:

Labcorp Genetics (formerly Invitae), Labcorp
Classification: Uncertain significance for Autoimmune lymphoproliferative syndrome. Last evaluated: 2024-12-18. Review status: criteria provided, single submitter. Criteria: Invitae Variant Classification Sherloc (09022015). Collection method: clinical testing. Allele origin: germline.
Comment: This sequence change replaces asparagine, which is neutral and polar, with histidine, which is basic and polar, at codon 76 of the FAS protein (p.Asn76His). This variant is present in population databases (no rsID available, gnomAD 0.007%). This variant has not been reported in the literature in individuals affected with FAS-related conditions. ClinVar contains an entry for this variant (Variation ID: 2879692). Invitae Evidence Modeling of protein sequence and biophysical properties (such as structural, functional, and spatial information, amino acid conservation, physicochemical variation, residue mobility, and thermodynamic stability) has been performed for this missense variant. However, the output from this modeling did not meet the statistical confidence thresholds required to predict the impact of this variant on FAS protein function. In summary, the available evidence is currently insufficient to determine the role of this variant in disease. Therefore, it has been classified as a Variant of Uncertain Significance.

NM_000043.6(FAS):c.226A>C (p.Asn76His)

Gene: FAS (Fas cell surface death receptor; plus strand). Cytogenetic location: 10q23.31.
Variant type: single nucleotide variant.
Coding change: c.226A>C on transcript NM_000043.6 (MANE Select); coding-DNA position 226, A replaced by C.
Protein change: p.Asn76His; replaces asparagine 76 with histidine.
Molecular consequence: missense variant. On other transcripts: non-coding transcript variant (4).
Genome position (GRCh38, 1-based): chr10:89,007,729, A>C. VCF-style: chr10-89007729-A-C. GRCh37 (hg19) VCF-style: chr10-90767486-A-C.
Other names: c.226A>C, p.Asn76His (NM_001320619.2, NM_152871.4, NM_152872.4); c.271A>C, p.Asn91His (NM_001410956.1); short protein forms N76H, N91H.
Identifiers: ClinVar variation 2879692 (VCV002879692.3), dbSNP rs1004851646, ClinGen allele CA211328517.